The following is an entry in ClinVar:

ClinVar aggregate classification (germline): Uncertain significance (1 of 4 stars; one submission).

gnomAD v4.1: 66 of 1,074,528 alleles (0.0061%); highest among the groups gnomAD compares: Admixed American, 0.01%; no homozygotes.

Submission:

Dasa
Classification: Uncertain significance. Last evaluated: 2026-01-13. Review status: criteria provided, single submitter. Criteria: DASA Assertion Criteria. Collection method: clinical testing. Allele origin: germline.
Comment: NM_031433.4(MFRP):c.1125-138G>A is an intronic variant. This variant has been observed in affected individuals with MFRP-related disorders. Also, this variant is rare in population databases. The currently available literature and clinical evidence are not sufficient to establish a definitive association between this variant and the reported condition. Therefore, this variant is classified as a variant of uncertain significance.

NM_031433.4(MFRP):c.1125-138G>A

Genes: C1QTNF5 (C1q and TNF related 5; minus strand), MFRP (membrane frizzled-related protein; minus strand). Cytogenetic location: 11q23.3.
Variant type: single nucleotide variant.
Coding change: c.1125-138G>A on transcript NM_031433.4 (MANE Select); 138 bases into the intron before coding-DNA position 1125, G replaced by A.
Molecular consequence: intron variant.
Genome position (GRCh38, 1-based): chr11:119,343,141, C>T on the plus strand (G>A on the coding strand, the complement: MFRP is on the minus strand). VCF-style: chr11-119343141-C-T. GRCh37 (hg19) VCF-style: chr11-119213851-C-T.
Other names: c.-1512-138G>A (NM_015645.5).
Identifiers: ClinVar variation 4882642 (VCV004882642.2).